The following is an entry in ClinVar:

NM_003803.4(MYOM1):c.1523G>A (p.Gly508Glu)

Gene: MYOM1 (myomesin 1; minus strand). Cytogenetic location: 18p11.31.
Variant type: single nucleotide variant.
Coding change: c.1523G>A on transcript NM_003803.4 (MANE Select); coding-DNA position 1523, G replaced by A.
Protein change: p.Gly508Glu; replaces glycine 508 with glutamic acid.
Molecular consequence: missense variant.
Genome position (GRCh38, 1-based): chr18:3,155,067, C>T on the plus strand (G>A on the coding strand, the complement: MYOM1 is on the minus strand). VCF-style: chr18-3155067-C-T. GRCh37 (hg19) VCF-style: chr18-3155065-C-T.
Other names: c.1523G>A, p.Gly508Glu (NM_019856.2); short protein forms G508E.
Identifiers: ClinVar variation 1774478 (VCV001774478.4), dbSNP rs570677625, ClinGen allele CA8874920.

ClinVar aggregate classification (germline): Uncertain significance. Review status: criteria provided, multiple submitters, no conflicts (2 of 4 stars). 2 submissions from 2 submitters: Uncertain significance (2). Last evaluated 2025-12-08.

Conditions:
Hypertrophic cardiomyopathy. Also called: HYPERTROPHIC MYOCARDIOPATHY. Identifiers: Orphanet 217569, MedGen C0007194, MeSH D002312, MONDO:0005045, HP:0001639.

Allele frequency attached by ClinVar (database versions not stated): ExAC 0.00002; gnomAD exomes 0.00001; 1000 Genomes Project 0.00020; gnomAD 0.00001; 1000 Genomes Project 30x 0.00016.
gnomAD v4.1: 8 of 1,612,634 alleles (0.0005%); highest among the groups gnomAD compares: South Asian, 0.0055%; no homozygotes.

Submissions (2):

Labcorp Genetics (formerly Invitae), Labcorp
Classification: Uncertain significance for Hypertrophic cardiomyopathy. Last evaluated: 2025-12-08. Review status: criteria provided, single submitter. Criteria: Invitae Variant Classification Sherloc (09022015). Collection method: clinical testing. Allele origin: germline.
Comment: This sequence change replaces glycine, which is neutral and non-polar, with glutamic acid, which is acidic and polar, at codon 508 of the MYOM1 protein (p.Gly508Glu). This variant is present in population databases (rs570677625, gnomAD 0.01%). This variant has not been reported in the literature in individuals affected with MYOM1-related conditions. ClinVar contains an entry for this variant (Variation ID: 1774478). Invitae Evidence Modeling of protein sequence and biophysical properties (such as structural, functional, and spatial information, amino acid conservation, physicochemical variation, residue mobility, and thermodynamic stability) indicates that this missense variant is not expected to disrupt MYOM1 protein function with a negative predictive value of 80%. In summary, the available evidence is currently insufficient to determine the role of this variant in disease. Therefore, it has been classified as a Variant of Uncertain Significance.

Ambry Genetics
Classification: Uncertain significance. Last evaluated: 2022-01-05. Review status: criteria provided, single submitter. Criteria: Ambry Variant Classification Scheme 2023. Collection method: clinical testing. Allele origin: germline.
Comment: The p.G508E variant (also known as c.1523G>A), located in coding exon 10 of the MYOM1 gene, results from a G to A substitution at nucleotide position 1523. The glycine at codon 508 is replaced by glutamic acid, an amino acid with similar properties. This amino acid position is conserved. In addition, the in silico prediction for this alteration is inconclusive. Since supporting evidence is limited at this time, the clinical significance of this alteration remains unclear.